The following is an entry in ClinVar:

NM_000245.4(MET):c.1639C>G (p.Arg547Gly)

Gene: MET (MET proto-oncogene, receptor tyrosine kinase; plus strand). Cytogenetic location: 7q31.2.
Variant type: single nucleotide variant.
Coding change: c.1639C>G on transcript NM_000245.4 (MANE Select); coding-DNA position 1639, C replaced by G.
Protein change: p.Arg547Gly; replaces arginine 547 with glycine.
Molecular consequence: missense variant.
Genome position (GRCh38, 1-based): chr7:116,740,963, C>G. VCF-style: chr7-116740963-C-G. GRCh37 (hg19) VCF-style: chr7-116381017-C-G.
Other names: c.1639C>G, p.Arg547Gly (NM_001127500.3, NM_001324401.3); c.349C>G, p.Arg117Gly (NM_001324402.2); short protein forms R117G, R547G.
Identifiers: ClinVar variation 1776987 (VCV001776987.4), dbSNP rs1047795344, ClinGen allele CA164873882.

ClinVar aggregate classification (germline): Conflicting classifications of pathogenicity. Review status: criteria provided, conflicting classifications (1 of 4 stars). 2 submissions from 2 submitters: Uncertain significance (1); Likely benign (1). Last evaluated 2025-05-13.

Conditions:
Hereditary cancer-predisposing syndrome. Also called: Neoplastic Syndromes, Hereditary; Tumor predisposition; Hereditary Cancer Syndrome; Hereditary neoplastic syndrome. Identifiers: Orphanet 140162, MedGen C0027672, MeSH D009386, MONDO:0015356.
Renal cell carcinoma. Identifiers: Orphanet 217071, MedGen C0007134, MeSH D002292, MONDO:0005086, HP:0005584.

gnomAD v4.1: 1 of 1,613,908 alleles (0.000062%); highest among the groups gnomAD compares: African/African-American, 0.0013%; no homozygotes.

Submissions (2):

Labcorp Genetics (formerly Invitae), Labcorp
Classification: Uncertain significance for Renal cell carcinoma. Last evaluated: 2025-05-13. Review status: criteria provided, single submitter. Criteria: Invitae Variant Classification Sherloc (09022015). Collection method: clinical testing. Allele origin: germline.
Comment: This sequence change replaces arginine, which is basic and polar, with glycine, which is neutral and non-polar, at codon 547 of the MET protein (p.Arg547Gly). This variant is not present in population databases (gnomAD no frequency). This variant has not been reported in the literature in individuals affected with MET-related conditions. ClinVar contains an entry for this variant (Variation ID: 1776987). Invitae Evidence Modeling of protein sequence and biophysical properties (such as structural, functional, and spatial information, amino acid conservation, physicochemical variation, residue mobility, and thermodynamic stability) indicates that this missense variant is expected to disrupt MET protein function with a positive predictive value of 80%. In summary, the available evidence is currently insufficient to determine the role of this variant in disease. Therefore, it has been classified as a Variant of Uncertain Significance.

Ambry Genetics
Classification: Likely benign for Hereditary cancer-predisposing syndrome. Last evaluated: 2024-12-23. Review status: criteria provided, single submitter. Criteria: Ambry Variant Classification Scheme 2023. Collection method: clinical testing. Allele origin: germline.